The following is an entry in ClinVar:

NM_002485.5(NBN):c.1125-12C>G

Gene: NBN (nibrin; minus strand). Cytogenetic location: 8q21.3.
Variant type: single nucleotide variant.
Coding change: c.1125-12C>G on transcript NM_002485.5 (MANE Select); 12 bases into the intron before coding-DNA position 1125, C replaced by G.
Molecular consequence: intron variant.
Genome position (GRCh38, 1-based): chr8:89,955,567, G>C on the plus strand (C>G on the coding strand, the complement: NBN is on the minus strand). VCF-style: chr8-89955567-G-C. GRCh37 (hg19) VCF-style: chr8-90967795-G-C.
Other names: c.879-12C>G (NM_001024688.3).
Identifiers: ClinVar variation 1692679 (VCV001692679.4), dbSNP rs1810676263, ClinGen allele CA1116457414.

ClinVar aggregate classification (germline): Conflicting classifications of pathogenicity. Review status: criteria provided, conflicting classifications (1 of 4 stars). 2 submissions from 2 submitters: Uncertain significance (1); Likely benign (1). Last evaluated 2024-11-04.

Conditions:
Hereditary cancer-predisposing syndrome. Also called: Neoplastic Syndromes, Hereditary; Hereditary Cancer Syndrome; Tumor predisposition; Hereditary neoplastic syndrome. Identifiers: Orphanet 140162, MedGen C0027672, MeSH D009386, MONDO:0015356.
Microcephaly, normal intelligence and immunodeficiency (NBS). Also called: Nijmegen breakage syndrome; Microcephaly with normal intelligence immunodeficiency and lymphoreticular malignancies; Nonsyndromal microcephaly autosomal recessive with normal intelligence; Seemanova syndrome 2; SEEMANOVA SYNDROME II; Immunodeficiency, microcephaly with normal intelligence. Identifiers: Orphanet 647, MedGen C0398791, MONDO:0009623, OMIM 251260.

Allele frequency attached by ClinVar (database versions not stated): gnomAD exomes below 0.00001; gnomAD 0.00001; TOPMed 0.00002.
gnomAD v4.1: 3 of 1,610,530 alleles (0.00019%); highest among the groups gnomAD compares: African/African-American, 0.004%; no homozygotes.

Submissions (2):

Labcorp Genetics (formerly Invitae), Labcorp
Classification: Likely benign for Microcephaly, normal intelligence and immunodeficiency. Last evaluated: 2024-11-04. Review status: criteria provided, single submitter. Criteria: Invitae Variant Classification Sherloc (09022015). Collection method: clinical testing. Allele origin: germline.

Sema4
Classification: Uncertain significance for Hereditary cancer-predisposing syndrome. Last evaluated: 2021-12-22. Review status: criteria provided, single submitter. Criteria: Sema4 Curation Guidelines. Collection method: curation. Allele origin: germline.
Comment: The NBN c.1125-12C>G variant has not been reported in the literature to our knowledge. It was not observed in the large and broad cohorts of the Genome Aggregation Database (PMID: 32461654), nor in ClinVar. Algorithms developed to predict the effect of sequence changes on RNA splicing suggest that this variant is not likely to affect RNA splicing, though these predictions have not been confirmed by transcriptional studies. The evidence is insufficient to meet ACMG/AMP criteria for classifying the variant as benign or pathogenic. Thus, the clinical significance of this variant is currently uncertain.